The following is an entry in ClinVar:

NM_001244008.2(KIF1A):c.813CAA[1] (p.Asn272del)

Gene: KIF1A (kinesin family member 1A; minus strand). Cytogenetic location: 2q37.3.
Variant type: Microsatellite.
Coding change: c.813CAA[1] on transcript NM_001244008.2 (MANE Select); one copy of the 3-base unit CAA starting at c.813; the reference has two copies in a row; one copy, 3 bases deleted.
Protein change: p.Asn272del; deletes asparagine 272.
Molecular consequence: inframe deletion.
Genome position (GRCh38, 1-based): chr2:240,783,090-240,783,092, TTG deleted on the plus strand (CAA on the coding strand, the reverse complement: KIF1A is on the minus strand); deleting any 3 consecutive bases within chr2:240,783,090-240,783,095 gives the same sequence; the position shown is the placement nearest the transcript's 3' end. VCF-style (leftmost placement, unchanged base first): chr2-240783089-CTTG-C. GRCh37 (hg19) VCF-style: chr2-241722506-CTTG-C.
Other names: c.813CAA[1], p.Asn272del (NM_001320705.2, NM_001330289.2, NM_001330290.2 and 20 more transcripts); short protein forms N272del.
Identifiers: ClinVar variation 870127 (VCV000870127.4), dbSNP rs2054280202, ClinGen allele CA916082555.

ClinVar aggregate classification (germline): Pathogenic. Review status: criteria provided, single submitter (1 of 4 stars). 2 submissions from 2 submitters: Pathogenic (1). 1 of the submissions does not count toward it. Last evaluated 2023-01-10.

Conditions:
Intellectual disability, autosomal dominant 9 (NESCAVS). Also called: NESCAV SYNDROME; KIF1A-Related Neurodevelopmental Disorder. Identifiers: Orphanet 662367, MedGen C5393830, MONDO:0013656, OMIM 614255.
KIF1A-related disorder. Also called: KIF1A-related disorders; KIF1A-related condition.

Submissions (2):

Blueprint Genetics
Classification: Pathogenic for KIF1A-related disorders. Last evaluated: 2023-01-10. Review status: criteria provided, single submitter. Criteria: ACMG Guidelines, 2015. Collection method: clinical testing. Allele origin: germline. Affected: yes. Observed: 2 variant alleles.

Human Genome Sequencing Center Clinical Lab, Baylor College of Medicine
Classification: Pathogenic for Intellectual disability, autosomal dominant 9. Last evaluated: 2020-03-31. Review status: no assertion criteria provided. Collection method: research. Allele origin: de novo. Inheritance: Autosomal dominant inheritance. Affected: yes. Observed: 2 heterozygotes. Not counted in ClinVar's aggregate classification.
Comment: Deletion of highly conserved amino acid residue in the kinesin motor domain. Many heterozygous missense variants in this domain are known to cause autosomal dominant neurological disorders. This variant is absent from control population databases and segregated with phenotype in a Peruvian family-two affected siblings shared a variant, inherited from a mother with apparent germline mosaicism. Blood samples from both parents and an unaffected sibling were negative for the variant.